The following is an entry in ClinVar:

NM_014053.4(FLVCR1):c.*284G>A

Gene: FLVCR1 (FLVCR choline and heme transporter 1; plus strand). Cytogenetic location: 1q32.3.
Variant type: single nucleotide variant.
Coding change: c.*284G>A on transcript NM_014053.4 (MANE Select); 284 bases downstream of the stop codon, G replaced by A.
Molecular consequence: 3 prime UTR variant.
Genome position (GRCh38, 1-based): chr1:212,895,574, G>A. VCF-style: chr1-212895574-G-A. GRCh37 (hg19) VCF-style: chr1-213068916-G-A.
Identifiers: ClinVar variation 295331 (VCV000295331.5), dbSNP rs41301021, ClinGen allele CA10608973.
Genomic context (GRCh38, chr1:212,895,574, plus strand): 5'-TTTATCTAATTAGTATCCGGTTTTTAGTCTCATATTGTATCTGAAAGTAAGCTTCTTGAC[G>A]TTTACTTTTTAAAAGTCGATGTTTTTCTTTTTTGTAGAAAATGGAAGCTTAGAATACTTT-3'

ClinVar aggregate classification (germline): Likely benign (1 of 4 stars; one submission).

Conditions:
Posterior column ataxia-retinitis pigmentosa syndrome (RETSNS). Also called: RETINOPATHY-SENSORY NEUROPATHY SYNDROME. Identifiers: Orphanet 88628, MedGen C1836916, MONDO:0012177, OMIM 609033.

Allele frequency attached by ClinVar (database versions not stated): TOPMed 0.00093; 1000 Genomes Project 0.00180; 1000 Genomes Project 30x 0.00219; gnomAD exomes 0.00011; gnomAD 0.00080.
gnomAD v4.1: 165 of 407,174 alleles (0.041%); highest among the groups gnomAD compares: African/African-American, 0.29%; 1 homozygote.

Submission:

Illumina Laboratory Services, Illumina
Classification: Likely benign for Posterior column ataxia-retinitis pigmentosa syndrome. Last evaluated: 2018-01-13. Review status: criteria provided, single submitter. Criteria: ICSL Variant Classification Criteria 13 December 2019. Collection method: clinical testing. Allele origin: germline.
Comment: This variant was observed in the ICSL laboratory as part of a predisposition screen in an ostensibly healthy population. It had not been previously curated by ICSL or reported in the Human Gene Mutation Database (HGMD: prior to June 1st, 2018), and was therefore a candidate for classification through an automated scoring system. Utilizing variant allele frequency, disease prevalence and penetrance estimates, and inheritance mode, an automated score was calculated to assess if this variant is too frequent to cause the disease. Based on the score and internal cut-off values, a variant classified as likely benign is not then subjected to further curation. The score for this variant resulted in a classification of likely benign for this disease.